The following is an entry in ClinVar:

NM_004793.4(LONP1):c.2292G>A (p.Val764=)

Gene: LONP1 (lon peptidase 1, mitochondrial; minus strand). Cytogenetic location: 19p13.3.
Variant type: single nucleotide variant.
Coding change: c.2292G>A on transcript NM_004793.4 (MANE Select); coding-DNA position 2292, G replaced by A.
Protein change: p.Val764=; no amino-acid change (valine 764 retained).
Molecular consequence: synonymous variant. On other transcripts: non-coding transcript variant (1).
Genome position (GRCh38, 1-based): chr19:5,694,415, C>T on the plus strand (G>A on the coding strand, the complement: LONP1 is on the minus strand). VCF-style: chr19-5694415-C-T. GRCh37 (hg19) VCF-style: chr19-5694426-C-T.
Other names: c.2100G>A, p.Val700= (NM_001276479.2); c.1704G>A, p.Val568= (NM_001276480.1).
Identifiers: ClinVar variation 736057 (VCV000736057.33), dbSNP rs139623048, ClinGen allele CA9114187.
Genomic context (GRCh38, chr19:5,694,415, plus strand): 5'-GCTTTGGGGTCTTCTCCCGCCACCACGCTCACCCATTGCGGTCCAGGCCAGCCCCATGAC[C>T]ACGCCGGGCGGTGTCACGTCATACATGCGCTCCACGGTGAACACGGGCTTCCCCACGAAG-3'
Protein context (NP_004784.2, residues 754-774): ERMYDVTPPG[Val764=]VMGLAWTAMG

ClinVar aggregate classification (germline): Likely benign. Review status: criteria provided, multiple submitters, no conflicts (2 of 4 stars). 2 submissions from 2 submitters: Likely benign (2). Last evaluated 2025-11-17.

Allele frequency attached by ClinVar (database versions not stated): ExAC 0.00007; gnomAD exomes 0.00011 and 0.00032; TOPMed 0.00011; gnomAD 0.00013 and 0.00014; ESP Exome Variant Server 0.00046.
gnomAD v4.1: 466 of 1,613,422 alleles (0.029%); highest among the groups gnomAD compares: Non-Finnish European, 0.039%; no homozygotes.

Submissions (2):

Labcorp Genetics (formerly Invitae), Labcorp
Classification: Likely benign. Last evaluated: 2025-11-17. Review status: criteria provided, single submitter. Criteria: Invitae Variant Classification Sherloc (09022015). Collection method: clinical testing. Allele origin: germline.

CeGaT Center for Human Genetics Tuebingen
Classification: Likely benign. Last evaluated: 2023-02-01. Review status: criteria provided, single submitter. Criteria: CeGaT Center For Human Genetics Tuebingen Variant Classification Criteria Version 2. Collection method: clinical testing. Allele origin: germline. Affected: yes. Observed: 1 variant allele.
Comment: LONP1: BP4, BP7